The following is an entry in ClinVar:

NM_015335.5(MED13L):c.5719G>T (p.Gly1907Trp)

Gene: MED13L (mediator complex subunit 13L; minus strand). Cytogenetic location: 12q24.21.
Variant type: single nucleotide variant.
Coding change: c.5719G>T on transcript NM_015335.5 (MANE Select); coding-DNA position 5719, G replaced by T.
Protein change: p.Gly1907Trp; replaces glycine 1907 with tryptophan.
Molecular consequence: missense variant.
Genome position (GRCh38, 1-based): chr12:115,975,183, C>A on the plus strand (G>T on the coding strand, the complement: MED13L is on the minus strand). VCF-style: chr12-115975183-C-A. GRCh37 (hg19) VCF-style: chr12-116412988-C-A.
Other names: short protein forms G1907W.
Identifiers: ClinVar variation 1804319 (VCV001804319.1), dbSNP rs2499796895, ClinGen allele CA386878121.

ClinVar aggregate classification (germline): Uncertain significance (1 of 4 stars; one submission).

Submission:

GeneDx
Classification: Uncertain significance. Last evaluated: 2022-06-14. Review status: criteria provided, single submitter. Criteria: GeneDx Variant Classification Process June 2021. Collection method: clinical testing. Allele origin: germline. Affected: yes.
Comment: Not observed at significant frequency in large population cohorts (gnomAD); In silico analysis supports that this missense variant has a deleterious effect on protein structure/function; Has not been previously published as pathogenic or benign to our knowledge